The following is an entry in ClinVar:

NM_001130009.3(GEN1):c.572T>C (p.Leu191Pro)

Gene: GEN1 (GEN1 Holliday junction 5' flap endonuclease; plus strand). Cytogenetic location: 2p24.2.
Variant type: single nucleotide variant.
Coding change: c.572T>C on transcript NM_001130009.3 (MANE Select); coding-DNA position 572, T replaced by C.
Protein change: p.Leu191Pro; replaces leucine 191 with proline.
Molecular consequence: missense variant.
Genome position (GRCh38, 1-based): chr2:17,766,625, T>C. VCF-style: chr2-17766625-T-C. GRCh37 (hg19) VCF-style: chr2-17947892-T-C.
Other names: c.572T>C, p.Leu191Pro (NM_182625.5); short protein forms L191P.
Identifiers: ClinVar variation 4263101 (VCV004263101.1).

ClinVar aggregate classification (germline): Uncertain significance (1 of 4 stars; one submission).

gnomAD v4.1: 2 of 1,609,888 alleles (0.00012%); highest among the groups gnomAD compares: Admixed American, 0.0033%; no homozygotes.

Submission:

Ambry Genetics
Classification: Uncertain significance. Last evaluated: 2025-08-29. Review status: criteria provided, single submitter. Criteria: Ambry Variant Classification Scheme 2023. Collection method: clinical testing. Allele origin: germline.
Comment: The p.L191P variant (also known as c.572T>C), located in coding exon 4 of the GEN1 gene, results from a T to C substitution at nucleotide position 572. The leucine at codon 191 is replaced by proline, an amino acid with similar properties. This amino acid position is conserved. In addition, this alteration is predicted to be deleterious by in silico analysis. Based on the available evidence, the clinical significance of this variant remains unclear.